The following is an entry in ClinVar:

NM_006516.4(SLC2A1):c.37A>C (p.Met13Leu)

Gene: SLC2A1 (solute carrier family 2 member 1; minus strand). Cytogenetic location: 1p34.2.
Variant type: single nucleotide variant.
Coding change: c.37A>C on transcript NM_006516.4 (MANE Select); coding-DNA position 37, A replaced by C.
Protein change: p.Met13Leu; replaces methionine 13 with leucine.
Molecular consequence: missense variant.
Genome position (GRCh38, 1-based): chr1:42,943,303, T>G on the plus strand (A>C on the coding strand, the complement: SLC2A1 is on the minus strand). VCF-style: chr1-42943303-T-G. GRCh37 (hg19) VCF-style: chr1-43408974-T-G.
Other names: short protein forms M13L.
Identifiers: ClinVar variation 2690007 (VCV002690007.5), dbSNP rs774411009, ClinGen allele CA339964888.

ClinVar aggregate classification (germline): Uncertain significance. Review status: criteria provided, multiple submitters, no conflicts (2 of 4 stars). 2 submissions from 2 submitters: Uncertain significance (2). Last evaluated 2023-11-20.

Conditions:
GLUT1 deficiency syndrome 1, autosomal recessive. Identifiers: MedGen C3149117.

Allele frequency attached by ClinVar (database versions not stated): gnomAD exomes below 0.00001.

Submissions (2):

Labcorp Genetics (formerly Invitae), Labcorp
Classification: Uncertain significance for GLUT1 deficiency syndrome 1, autosomal recessive. Last evaluated: 2023-11-20. Review status: criteria provided, single submitter. Criteria: Invitae Variant Classification Sherloc (09022015). Collection method: clinical testing. Allele origin: germline.
Comment: This sequence change replaces methionine, which is neutral and non-polar, with leucine, which is neutral and non-polar, at codon 13 of the SLC2A1 protein (p.Met13Leu). This variant is not present in population databases (gnomAD no frequency). This variant has not been reported in the literature in individuals affected with SLC2A1-related conditions. Advanced modeling of protein sequence and biophysical properties (such as structural, functional, and spatial information, amino acid conservation, physicochemical variation, residue mobility, and thermodynamic stability) performed at Invitae indicates that this missense variant is not expected to disrupt SLC2A1 protein function with a negative predictive value of 95%. In summary, the available evidence is currently insufficient to determine the role of this variant in disease. Therefore, it has been classified as a Variant of Uncertain Significance.

Revvity Omics, Revvity
Classification: Uncertain significance. Last evaluated: 2023-05-22. Review status: criteria provided, single submitter. Criteria: ACMG Guidelines, 2015. Collection method: clinical testing. Allele origin: germline.